The following is an entry in ClinVar:

ClinVar aggregate classification (germline): Pathogenic. Review status: reviewed by expert panel (3 of 4 stars). 7 submissions from 7 submitters: Pathogenic (1). 6 of the submissions do not count toward it. Last evaluated 2016-09-08.

Conditions:
Breast-ovarian cancer, familial, susceptibility to, 1 (BROVCA1). Also called: OVARIAN CANCER, SUSCEPTIBILITY TO; BRCA1 Hereditary Breast and Ovarian Cancer. Identifiers: Orphanet 145, MedGen C2676676, MONDO:0011450, OMIM 604370. Disease mechanism: loss of function.
Pancreatic cancer, susceptibility to, 4. Identifiers: Orphanet 1333, MedGen C3280442, MONDO:0013685, OMIM 614320.
Fanconi anemia, complementation group S (FANCS). Identifiers: MedGen C4554406, MONDO:0054748, OMIM 617883.
Hereditary cancer-predisposing syndrome. Also called: Tumor predisposition; Neoplastic Syndromes, Hereditary; Hereditary Cancer Syndrome; Hereditary neoplastic syndrome. Identifiers: Orphanet 140162, MedGen C0027672, MeSH D009386, MONDO:0015356.
Hereditary breast ovarian cancer syndrome. Also called: Hereditary breast and ovarian cancer syndrome (HBOC); Hereditary breast and ovarian cancer syndrome; Hereditary breast and ovarian cancer; Hereditary breast and/or ovarian cancer syndrome; Breast and ovarian cancer; BRCA1- and BRCA2-Associated Hereditary Breast and Ovarian Cancer. Identifiers: Orphanet 145, MedGen C0677776, MeSH D061325, MONDO:0003582. Disease mechanism: loss of function.

Submissions (7):

Evidence-based Network for the Interpretation of Germline Mutant Alleles (ENIGMA)
Classification: Pathogenic for Breast-ovarian cancer, familial, susceptibility to, 1. Last evaluated: 2016-09-08. Review status: reviewed by expert panel. Criteria: ENIGMA BRCA1/2 Classification Criteria (2015). Collection method: curation. Allele origin: germline.
Comment: Variant allele predicted to encode a truncated non-functional protein.

Fulgent Genetics
Classification: Pathogenic for Breast-ovarian cancer, familial, susceptibility to, 1; Pancreatic cancer, susceptibility to, 4; Fanconi anemia, complementation group S. Last evaluated: 2024-06-18. Review status: criteria provided, single submitter. Criteria: ACMG Guidelines, 2015. Collection method: clinical testing. Allele origin: germline. Not counted in ClinVar's aggregate classification.

Labcorp Genetics (formerly Invitae), Labcorp
Classification: Pathogenic for Hereditary breast ovarian cancer syndrome. Last evaluated: 2023-08-22. Review status: criteria provided, single submitter. Criteria: Invitae Variant Classification Sherloc (09022015). Collection method: clinical testing. Allele origin: germline. Not counted in ClinVar's aggregate classification.
Comment: This variant is not present in population databases (gnomAD no frequency). This premature translational stop signal has been observed in individual(s) with breast and/or ovarian cancer (PMID: 15340362). ClinVar contains an entry for this variant (Variation ID: 54610). For these reasons, this variant has been classified as Pathogenic. This sequence change creates a premature translational stop signal (p.Ser864*) in the BRCA1 gene. It is expected to result in an absent or disrupted protein product. Loss-of-function variants in BRCA1 are known to be pathogenic (PMID: 20104584).

GeneDx
Classification: Pathogenic. Last evaluated: 2023-06-29. Review status: criteria provided, single submitter. Criteria: GeneDx Variant Classification Process June 2021. Collection method: clinical testing. Allele origin: germline. Affected: yes. Not counted in ClinVar's aggregate classification.
Comment: Nonsense variant predicted to result in protein truncation or nonsense mediated decay in a gene for which loss of function is a known mechanism of disease; Not observed at significant frequency in large population cohorts (gnomAD); Truncating variants in this gene are considered pathogenic by a well-established clinical consortium and/or database; Also known as 2710C>G; Observed in individuals with a personal or family history consistent with pathogenic variants in this gene (Marroni et al., 2004; Heramb et al., 2018); This variant is associated with the following publications: (PMID: 25525159, 32377563, 10612800, 29339979, 30678073, 29884841, 15340362, 31209999)

Ambry Genetics
Classification: Pathogenic for Hereditary cancer-predisposing syndrome. Last evaluated: 2022-10-27. Review status: criteria provided, single submitter. Criteria: Ambry Variant Classification Scheme 2023. Collection method: clinical testing. Allele origin: germline. Not counted in ClinVar's aggregate classification.
Comment: The p.S864* pathogenic mutation (also known as c.2591C>G), located in coding exon 9 of the BRCA1 gene, results from a C to G substitution at nucleotide position 2591. This changes the amino acid from a serine to a stop codon within coding exon 9. This mutation has been described in at least one breast and/or ovarian cancer family (Marroni F et al. Eur. J. Hum. Genet. 2004 Nov; 12(11):899-906). In addition to the clinical data presented in the literature, this alteration is expected to result in loss of function by premature protein truncation or nonsense-mediated mRNA decay. As such, this alteration is interpreted as a disease-causing mutation.

Department of Medical Genetics, Oslo University Hospital
Classification: Pathogenic for Breast-ovarian cancer, familial, susceptibility to, 1. Last evaluated: 2015-06-08. Review status: criteria provided, single submitter. Criteria: ACMG Guidelines, 2015. Collection method: clinical testing. Allele origin: germline. Affected: yes. Observed: 16 variant alleles. Not counted in ClinVar's aggregate classification.

Research Molecular Genetics Laboratory, Women's College Hospital, University of Toronto
Classification: Pathogenic for Hereditary breast ovarian cancer syndrome. Last evaluated: 2014-01-31. Review status: no assertion criteria provided. Collection method: research. Allele origin: germline. Affected: yes. Study: The Canadian Open Genetics Repository (COGR). Not counted in ClinVar's aggregate classification.

Literature cited by the submitters: PubMed 15340362 (cited by Labcorp Genetics (formerly Invitae), Labcorp and Ambry Genetics); PubMed 20104584 (cited by Labcorp Genetics (formerly Invitae), Labcorp).

NM_007294.4(BRCA1):c.2591C>G (p.Ser864Ter)

Gene: BRCA1 (BRCA1 DNA repair associated; minus strand). Cytogenetic location: 17q21.31.
Variant type: single nucleotide variant.
Coding change: c.2591C>G on transcript NM_007294.4 (MANE Select); coding-DNA position 2591, C replaced by G.
Protein change: p.Ser864Ter; replaces serine 864 with a stop codon.
Molecular consequence: nonsense. On other transcripts: intron variant (137).
Genome position (GRCh38, 1-based): chr17:43,092,940, G>C on the plus strand (C>G on the coding strand, the complement: BRCA1 is on the minus strand). VCF-style: chr17-43092940-G-C. GRCh37 (hg19) VCF-style: chr17-41244957-G-C.
Other names: c.2378C>G, p.Ser793Ter (NM_001407571.1, NM_001407853.1, NM_001407894.1 and 9 more transcripts); c.2591C>G, p.Ser864Ter (NM_001407581.1, NM_001407582.1, NM_001407583.1 and 30 more transcripts); c.2588C>G, p.Ser863Ter (NM_001407587.1, NM_001407590.1, NM_001407591.1 and 22 more transcripts); c.2582C>G, p.Ser861Ter (NM_001407646.1, NM_001407647.1); c.2468C>G, p.Ser823Ter (NM_001407648.1, NM_001407664.1, NM_001407665.1 and 19 more transcripts); c.2465C>G, p.Ser822Ter (NM_001407649.1, NM_001407670.1, NM_001407671.1 and 11 more transcripts); c.2513C>G, p.Ser838Ter (NM_001407653.1, NM_001407654.1, NM_001407655.1 and 4 more transcripts); c.2510C>G, p.Ser837Ter (NM_001407659.1, NM_001407660.1, NM_001407661.1 and 1 more transcripts); and 41 more; short protein forms S864*, S817*, S568*, S752*, S796*, S822*, S696*, S775*.
Identifiers: ClinVar variation 54610 (VCV000054610.13), dbSNP rs80357003, ClinGen allele CA001703.